The following is an entry in ClinVar:

NM_005720.4(ARPC1B):c.775del (p.Val259fs)

Gene: ARPC1B (actin related protein 2/3 complex subunit 1B; plus strand). Cytogenetic location: 7q22.1.
Variant type: Deletion.
Coding change: c.775del on transcript NM_005720.4 (MANE Select); coding-DNA position 775, one base deleted (G; older notation c.775delG).
Protein change: p.Val259fs; shifts the reading frame from valine 259.
Molecular consequence: frameshift variant.
Genome position (GRCh38, 1-based): chr7:99,391,245, G deleted; the last of 2 consecutive G bases (chr7:99,391,244-99,391,245); deleting either gives the same sequence. VCF-style (leftmost placement, unchanged base first): chr7-99391243-TG-T. GRCh37 (hg19) VCF-style: chr7-98988866-TG-T.
Other names: short protein forms V259fs.
Identifiers: ClinVar variation 4884259 (VCV004884259.2).

ClinVar aggregate classification (germline): Likely pathogenic (1 of 4 stars; one submission).

Submission:

Dasa
Classification: Likely pathogenic. Last evaluated: 2025-10-09. Review status: criteria provided, single submitter. Criteria: DASA Assertion Criteria. Collection method: clinical testing. Allele origin: germline.
Comment: NM_005720.4(ARPC1B):c.775del (p.Val259Trpfs*21) is a frameshift variant in ARPC1B predicted to alter the reading frame and introduce a premature termination codon and is predicted to result in an absent or altered protein product. Loss of function is an established disease mechanism for ARPC1B-associated disorders. Also, this variant is absent from population databases. Based on the currently available evidence, this variant is classified as likely pathogenic.